The following is an entry in ClinVar:

ClinVar aggregate classification (germline): Uncertain significance (1 of 4 stars; one submission).

Allele frequency attached by ClinVar (database versions not stated): gnomAD exomes 0.00001 and 0.00002; TOPMed 0.00001; ExAC 0.00002; gnomAD 0.00002.
gnomAD v4.1: 19 of 1,613,994 alleles (0.0012%); highest among the groups gnomAD compares: Middle Eastern, 0.049%; no homozygotes.

Submission:

Labcorp Genetics (formerly Invitae), Labcorp
Classification: Uncertain significance. Last evaluated: 2024-08-19. Review status: criteria provided, single submitter. Criteria: Invitae Variant Classification Sherloc (09022015). Collection method: clinical testing. Allele origin: germline.
Comment: This sequence change creates a premature translational stop signal (p.Gln349*) in the DDX58 gene. It is expected to result in an absent or disrupted protein product. However, the current clinical and genetic evidence is not sufficient to establish whether loss-of-function variants in DDX58 cause disease. This variant is present in population databases (rs756803748, gnomAD 0.01%). This variant has not been reported in the literature in individuals affected with DDX58-related conditions. ClinVar contains an entry for this variant (Variation ID: 1398520). Algorithms developed to predict the effect of sequence changes on RNA splicing suggest that this variant may disrupt the consensus splice site. In summary, the available evidence is currently insufficient to determine the role of this variant in disease. Therefore, it has been classified as a Variant of Uncertain Significance.

NM_014314.4(RIGI):c.1045C>T (p.Gln349Ter)

Gene: RIGI (RNA sensor RIG-I; minus strand). Cytogenetic location: 9p21.1.
Variant type: single nucleotide variant.
Coding change: c.1045C>T on transcript NM_014314.4 (MANE Select); coding-DNA position 1045, C replaced by T.
Protein change: p.Gln349Ter; replaces glutamine 349 with a stop codon.
Molecular consequence: nonsense.
Genome position (GRCh38, 1-based): chr9:32,488,112, G>A on the plus strand (C>T on the coding strand, the complement: RIGI is on the minus strand). VCF-style: chr9-32488112-G-A. GRCh37 (hg19) VCF-style: chr9-32488110-G-A.
Other names: c.1039C>T, p.Gln347Ter (NM_001385907.1); c.1045C>T, p.Gln349Ter (NM_001385909.1); c.604C>T, p.Gln202Ter (NM_001385910.1); c.436C>T, p.Gln146Ter (NM_001385912.1); c.1030C>T, p.Gln344Ter (NM_001385913.1); c.601C>T, p.Gln201Ter (NM_001385914.1); short protein forms Q202*, Q344*, Q349*, Q146*, Q347*, Q201*.
Identifiers: ClinVar variation 1398520 (VCV001398520.7), dbSNP rs756803748, ClinGen allele CA5019925.
Genomic context (GRCh38, chr9:32,488,112, plus strand): 5'-TCAAAGTAAAGATGGATAGTGATGGAATCGTTCCCTTTTTAAGGTTGTTCACAAGAATCT[G>A]TGGAGTTAAAATGATGATGTCATTGTTCTCAACAATCTGTTCCACTGGGACATTCTCAGC-3'